The following is an entry in ClinVar:

NM_000264.5(PTCH1):c.1616A>C (p.Glu539Ala)

Gene: PTCH1 (patched 1; minus strand). Cytogenetic location: 9q22.32.
Variant type: single nucleotide variant.
Coding change: c.1616A>C on transcript NM_000264.5 (MANE Select); coding-DNA position 1616, A replaced by C.
Protein change: p.Glu539Ala; replaces glutamic acid 539 with alanine.
Molecular consequence: missense variant. On other transcripts: non-coding transcript variant (1).
Genome position (GRCh38, 1-based): chr9:95,476,146, T>G on the plus strand (A>C on the coding strand, the complement: PTCH1 is on the minus strand). VCF-style: chr9-95476146-T-G. GRCh37 (hg19) VCF-style: chr9-98238428-T-G.
Other names: c.1418A>C, p.Glu473Ala (NM_001083602.3); c.1613A>C, p.Glu538Ala (NM_001083603.3); c.1163A>C, p.Glu388Ala (NM_001083604.3, NM_001083605.3, NM_001083606.3 and 1 more transcripts); c.1460A>C, p.Glu487Ala (NM_001354918.2); short protein forms E388A, E473A, E487A, E538A, E539A.
Identifiers: ClinVar variation 5040521 (VCV005040521.1).

ClinVar aggregate classification (germline): Uncertain significance (1 of 4 stars; one submission).

Submission:

CeGaT Center for Human Genetics Tuebingen
Classification: Uncertain significance. Last evaluated: 2026-08-01. Review status: criteria provided, single submitter. Criteria: CeGaT Center For Human Genetics Tuebingen Variant Classification Criteria Version 2. Collection method: clinical testing. Allele origin: germline. Affected: yes. Observed: 1 variant allele.
Comment: PTCH1: PM2